The following is an entry in ClinVar:

ClinVar aggregate classification (germline): Uncertain significance (1 of 4 stars; one submission).

Conditions:
Primary dilated cardiomyopathy (DCM). Also called: Dilated Cardiomyopathy. Identifiers: Orphanet 217604, MedGen C0007193, MeSH D002311, MONDO:0005021, HP:0001644. Inheritance: Various modes of inheritance.

Allele frequency attached by ClinVar (database versions not stated): ESP Exome Variant Server 0.00008; gnomAD exomes 0.00010 and 0.00016; gnomAD 0.00011; TOPMed 0.00013; ExAC 0.00014; 1000 Genomes Project 0.00040; 1000 Genomes Project 30x 0.00047.
gnomAD v4.1: 248 of 1,613,572 alleles (0.015%); highest among the groups gnomAD compares: Non-Finnish European, 0.019%; no homozygotes.

Submission:

Labcorp Genetics (formerly Invitae), Labcorp
Classification: Uncertain significance for Primary dilated cardiomyopathy. Last evaluated: 2025-10-01. Review status: criteria provided, single submitter. Criteria: Invitae Variant Classification Sherloc (09022015). Collection method: clinical testing. Allele origin: germline.
Comment: This sequence change replaces alanine, which is neutral and non-polar, with threonine, which is neutral and polar, at codon 175 of the NEBL protein (p.Ala175Thr). This variant is present in population databases (rs71541562, gnomAD 0.02%). This missense change has been observed in individual(s) with dilated cardiomyopathy (PMID: 27186169). ClinVar contains an entry for this variant (Variation ID: 454274). An algorithm developed to predict the effect of missense changes on protein structure and function (PolyPhen-2) suggests that this variant is likely to be tolerated. In summary, the available evidence is currently insufficient to determine the role of this variant in disease. Therefore, it has been classified as a Variant of Uncertain Significance.

Literature cited by the submitters: PubMed 27186169.

NM_006393.3(NEBL):c.523G>A (p.Ala175Thr)

Gene: NEBL (nebulette; minus strand). Cytogenetic location: 10p12.31.
Variant type: single nucleotide variant.
Coding change: c.523G>A on transcript NM_006393.3 (MANE Select); coding-DNA position 523, G replaced by A.
Protein change: p.Ala175Thr; replaces alanine 175 with threonine.
Molecular consequence: missense variant. On other transcripts: intron variant (9).
Genome position (GRCh38, 1-based): chr10:20,869,799, C>T on the plus strand (G>A on the coding strand, the complement: NEBL is on the minus strand). VCF-style: chr10-20869799-C-T. GRCh37 (hg19) VCF-style: chr10-21158728-C-T.
Other names: c.250-56859G>A (NM_001377326.1, NM_001377327.1, NM_001377328.1); c.358-56859G>A (NM_213569.2, NM_001173484.2, NM_001377322.1); c.301-56859G>A (NM_001377324.1); c.292-56859G>A (NM_001377325.1); c.310-56859G>A (NM_001377323.1); short protein forms A175T.
Identifiers: ClinVar variation 454274 (VCV000454274.10), dbSNP rs71541562, ClinGen allele CA5433211.
Genomic context (GRCh38, chr10:20,869,799, plus strand): 5'-CATTGCTTATGATCTTAGAGATCTGGGTTGCCATCTTGATGTCTGGTCGGTCAAGTTCTG[C>T]ACTGTACGTGTGGGTGTCCTGCACGTCTTTCCTATAAGAAATCTGATCAGAGACAGTTTT-3'
Protein context (NP_006384.1, residues 165-185): KDVQDTHTYS[Ala175Thr]ELDRPDIKMA